The following is an entry in ClinVar:

ClinVar aggregate classification (germline): Benign. Review status: criteria provided, multiple submitters, no conflicts (2 of 4 stars). 2 submissions from 2 submitters: Benign (2). Last evaluated 2018-06-14.

Allele frequency attached by ClinVar (database versions not stated): gnomAD exomes 0.01872; TOPMed 0.02475; gnomAD 0.02981 and 0.03034; 1000 Genomes Project 0.03255; 1000 Genomes Project 30x 0.03435.
gnomAD v4.1: 28,870 of 1,439,584 alleles (2%); highest among the groups gnomAD compares: South Asian, 7.3%; 593 homozygotes.

Submissions (2):

GeneDx
Classification: Benign. Last evaluated: 2018-06-14. Review status: criteria provided, single submitter. Criteria: GeneDx Variant Classification (06012015). Collection method: clinical testing. Allele origin: germline. Affected: yes.
Comment: This variant is considered likely benign or benign based on one or more of the following criteria: it is a conservative change, it occurs at a poorly conserved position in the protein, it is predicted to be benign by multiple in silico algorithms, and/or has population frequency not consistent with disease.

Breakthrough Genomics
Classification: Benign. Review status: criteria provided, single submitter. Criteria: ACMG Guidelines, 2015. Collection method: not provided. Allele origin: germline. Inheritance: Autosomal recessive inheritance. Affected: yes.

NM_016156.6(MTMR2):c.80+165G>A

Gene: MTMR2 (myotubularin related protein 2; minus strand). Cytogenetic location: 11q21.
Variant type: single nucleotide variant.
Coding change: c.80+165G>A on transcript NM_016156.6 (MANE Select); 165 bases into the intron after coding-DNA position 80, G replaced by A.
Molecular consequence: intron variant.
Genome position (GRCh38, 1-based): chr11:95,923,710, C>T on the plus strand (G>A on the coding strand, the complement: MTMR2 is on the minus strand). VCF-style: chr11-95923710-C-T. GRCh37 (hg19) VCF-style: chr11-95656874-C-T.
Other names: c.-208+165G>A (NM_201281.3); c.-331+165G>A (NM_201278.3); c.-404+165G>A (NM_001243571.2).
Identifiers: ClinVar variation 683193 (VCV000683193.2), dbSNP rs112880403, ClinGen allele CA226613087.